The following is an entry in ClinVar:

NM_001330260.2(SCN8A):c.4862T>G (p.Leu1621Trp)

Gene: SCN8A (sodium voltage-gated channel alpha subunit 8; plus strand). Cytogenetic location: 12q13.13.
Variant type: single nucleotide variant.
Coding change: c.4862T>G on transcript NM_001330260.2 (MANE Select); coding-DNA position 4862, T replaced by G.
Protein change: p.Leu1621Trp; replaces leucine 1621 with tryptophan.
Molecular consequence: missense variant.
Genome position (GRCh38, 1-based): chr12:51,806,348, T>G. VCF-style: chr12-51806348-T-G. GRCh37 (hg19) VCF-style: chr12-52200132-T-G.
Other names: NP_001317189.1:p.(Leu1621Trp); c.4739T>G, p.Leu1580Trp (NM_001177984.3, NM_001369788.1); c.4862T>G, p.Leu1621Trp (NM_014191.4); short protein forms L1621W, L1580W.
Identifiers: ClinVar variation 253292 (VCV000253292.41), dbSNP rs879255707, ClinGen allele CA10586297.

ClinVar aggregate classification (germline): Pathogenic/Likely pathogenic. Review status: criteria provided, multiple submitters, no conflicts (2 of 4 stars). 3 submissions from 3 submitters: Pathogenic (1); Likely pathogenic (1). 1 of the submissions does not count toward it. Last evaluated 2021-01-01.

Conditions:
Developmental and epileptic encephalopathy. Identifiers: MedGen C5779964, MONDO:0100620.
Developmental and epileptic encephalopathy, 13 (DEE13). Also called: Early infantile epileptic encephalopathy 13; SCN8A-Related Epilepsy; Developmental and Epileptic Encephalopathy (SCN8A-DEE). Identifiers: Orphanet 442835, MedGen C3281191, MONDO:0013801, OMIM 614558.

Submissions (3):

Unidad de Genómica Garrahan, Hospital de Pediatría Garrahan
Classification: Likely pathogenic for Developmental and epileptic encephalopathy. Last evaluated: 2021-01-01. Review status: criteria provided, single submitter. Criteria: ACMG Guidelines, 2015. Collection method: clinical testing. Allele origin: de novo. Affected: yes. Observed: 1 variant allele.
Comment: ACMG/AMP criteria applied: PM1, PM2, PM6, PP2, PP3.

CeGaT Center for Human Genetics Tuebingen
Classification: Pathogenic. Last evaluated: 2017-06-01. Review status: criteria provided, single submitter. Criteria: CeGaT Center For Human Genetics Tuebingen Variant Classification Criteria Version 2. Collection method: clinical testing. Allele origin: germline. Affected: yes. Observed: 1 variant allele.

GeneReviews
No classification provided. Condition: Developmental and epileptic encephalopathy, 13. Review status: no classification provided. Collection method: literature only. Allele origin: germline. Affected: yes. Not counted in ClinVar's aggregate classification.

Literature cited by the submitters: PubMed 26235738 (cited by GeneReviews); NCBI Bookshelf NBK379665 (cited by GeneReviews).